The following is an entry in ClinVar:

ClinVar aggregate classification (germline): Uncertain significance (1 of 4 stars; one submission).

Conditions:
Intellectual developmental disorder, autosomal dominant 39. Also called: Mental retardation, autosomal dominant 39; Intellectual disability, autosomal dominant 39. Identifiers: MedGen C4225296, MONDO:0014678, OMIM 616521.

Submission:

OLLIN Analises Genomicas, OLLIN
Classification: Uncertain significance for Intellectual developmental disorder, autosomal dominant 39. Last evaluated: 2026-08-06. Review status: criteria provided, single submitter. Criteria: ACMG Guidelines 2015 PMID 25741868. Collection method: clinical testing. Allele origin: germline. Inheritance: Autosomal dominant inheritance.
Comment: This missense variant, located in exon 15 (of 25), is absent from gnomAD and ClinVar and has not been identified in the literature. In silico analysis is inconclusive regarding the impact of this variant. This gene is constrained for missense variation. According to the currently available evidence, this variant has been classified as uncertain significance (PM2_P, PP2).

NM_001303052.2(MYT1L):c.2218T>G (p.Ser740Ala)

Gene: MYT1L (myelin transcription factor 1 like; minus strand). Cytogenetic location: 2p25.3.
Variant type: single nucleotide variant.
Coding change: c.2218T>G on transcript NM_001303052.2 (MANE Select); coding-DNA position 2218, T replaced by G.
Protein change: p.Ser740Ala; replaces serine 740 with alanine.
Molecular consequence: missense variant.
Genome position (GRCh38, 1-based): chr2:1,892,102, A>C on the plus strand (T>G on the coding strand, the complement: MYT1L is on the minus strand). VCF-style: chr2-1892102-A-C. GRCh37 (hg19) VCF-style: chr2-1895874-A-C.
Other names: c.2212T>G, p.Ser738Ala (NM_001329849.3, NM_001329852.3, NM_015025.4 and 3 more transcripts); c.2218T>G, p.Ser740Ala (NM_001329851.3, NM_001329844.2, NM_001329845.1); short protein forms S740A, S738A.
Identifiers: ClinVar variation 5002782 (VCV005002782.1).
Genomic context (GRCh38, chr2:1,892,102, plus strand): 5'-TGGCGCACAGGTCCTGCGGCTTGGTGCTCAGGTTCTGCGGCATCTCGCGGCAGCGCGTGG[A>C]CAGGTTGAGGATGGCGGTGGCCGCCATGTGGGCCGCCTCCATGTCGTGCGTGTAGTCGAA-3'
Protein context (NP_001289981.1, residues 730-750): HMAATAILNL[Ser740Ala]TRCREMPQNL